The following is an entry in ClinVar:

NM_000016.6(ACADM):c.617G>A (p.Arg206His)

Gene: ACADM (acyl-CoA dehydrogenase medium chain; plus strand). Cytogenetic location: 1p31.1.
Variant type: single nucleotide variant.
Coding change: c.617G>A on transcript NM_000016.6 (MANE Select); coding-DNA position 617, G replaced by A.
Protein change: p.Arg206His; replaces arginine 206 with histidine.
Molecular consequence: missense variant.
Genome position (GRCh38, 1-based): chr1:75,745,823, G>A. VCF-style: chr1-75745823-G-A. GRCh37 (hg19) VCF-style: chr1-76211508-G-A.
Other names: c.629G>A, p.Arg210His (NM_001127328.3); c.509G>A, p.Arg170His (NM_001286042.2); c.716G>A, p.Arg239His (NM_001286043.2); c.50G>A, p.Arg17His (NM_001286044.2); short protein forms R210H, R170H, R17H, R239H.
Identifiers: ClinVar variation 92268 (VCV000092268.30), dbSNP rs200724875, ClinGen allele CA220183.

ClinVar aggregate classification (germline): Pathogenic/Likely pathogenic. Review status: criteria provided, multiple submitters, no conflicts (2 of 4 stars). 13 submissions from 13 submitters: Pathogenic (5); Likely pathogenic (7). 1 of the submissions does not count toward it. Last evaluated 2026-03-01.

Conditions:
ACADM-related disorder. Also called: ACADM-related condition.
Inborn genetic diseases. Identifiers: MedGen C0950123, MeSH D030342.
Medium-chain acyl-coenzyme A dehydrogenase deficiency (ACADMD). Also called: MCAD Deficiency; MCADH DEFICIENCY; MCADD; Medium chain acyl-CoA dehydrogenase deficiency; ACADM DEFICIENCY; CARNITINE DEFICIENCY SECONDARY TO MEDIUM-CHAIN ACYL-CoA DEHYDROGENASE DEFICIENCY. Identifiers: Orphanet 42, MedGen C0220710, MONDO:0008721, OMIM 201450.

Allele frequency attached by ClinVar (database versions not stated): ExAC 0.00002; ESP Exome Variant Server 0.00008; gnomAD exomes 0.00002; TOPMed 0.00005.

Submissions (13):

CeGaT Center for Human Genetics Tuebingen
Classification: Likely pathogenic. Last evaluated: 2026-03-01. Review status: criteria provided, single submitter. Criteria: CeGaT Center For Human Genetics Tuebingen Variant Classification Criteria Version 2. Collection method: clinical testing. Allele origin: germline. Affected: yes. Observed: 2 variant alleles.
Comment: ACADM: PM3:Strong, PM2, PM5, PP4

OLLIN Analises Genomicas, OLLIN
Classification: Likely pathogenic for Medium-chain acyl-coenzyme A dehydrogenase deficiency. Last evaluated: 2026-02-13. Review status: criteria provided, single submitter. Criteria: ACMG Guidelines 2015 PMID 25741868. Collection method: clinical testing. Allele origin: germline. Observed: 1 variant allele.
Comment: PM2_P, PM3_S, PM5, PP3_M

Dasa
Classification: Likely pathogenic for medium chain acyl-CoA dehydrogenase deficiency. Last evaluated: 2026-01-11. Review status: criteria provided, single submitter. Criteria: DASA Assertion Criteria. Collection method: clinical testing. Allele origin: germline.
Comment: NM_000016.6(ACADM):c.617G>A (p.Arg206His) is a missense variant that results in the substitution of arginine with histidine. The affected residue or protein region has prior evidence supporting clinical relevance. This variant has been reported in individuals with ACADM-related disorders (PMID: 29519241). Also, this variant is rare in population databases. Computational evidence supports a deleterious effect. Based on the currently available evidence, this variant is classified as likely pathogenic.

Otogenetics
Classification: Pathogenic for Medium-chain acyl-coenzyme A dehydrogenase deficiency. Last evaluated: 2025-12-19. Review status: criteria provided, single submitter. Criteria: ACMG Guidelines, 2015. Collection method: clinical testing. Allele origin: germline.
Comment: PS3_Supporting: Well-established in vitro and in vivo functional studies supportive of damaging effect on the gene product, with low residual enzymatic activity relative to wild-type reported (PMID: 24718418); PM2: Maximum gnomAD MAF of 0.0163% in East Asian (EAS) subpopulation (<0.232% threshold); PM3_Strong: Variant reported in trans with 4 pathogenic variants in 4 individuals affected with medium-chain acyl-coA dehydrogenase (PMID: 20434380, 27943070, 29519241, 41133698); PM5: Pathogenic missense amino acid changes occur in same position: c.617G>T;p.Arg206Leu and c.616C>T;p.Arg206Cys (PMID: 10767181, 24718418); PP3: In-silico models predict deleterious effect (Revel = 0.91, BayesDel = 0.53)

Natera, Inc.
Classification: Likely pathogenic for Medium Chain Acyl-CoA Dehydrogenase Deficiency. Last evaluated: 2025-11-25. Review status: criteria provided, single submitter. Criteria: Natera Variant Classification Schema (03/2026). Collection method: clinical testing. Allele origin: germline.
Comment: The c.617G>A variant in ACADM is a missense variant predicted to cause substitution of arginine to histidine at amino acid 206. This variant is rare in the general population with a frequency below the threshold expected for the associated phenotype(s). This variant has been observed in one or more individuals affected with the associated recessive disease, as either homozygous or compound heterozygous with a second variant (PMID: 16291504, 41133698, 37308883). A different variant at the same position has been determined to be Pathogenic or Likely Pathogenic. Computational prediction algorithms indicate this variant is likely to affect gene or protein function. Given the available evidence, this variant is classified as Likely Pathogenic.

Ambry Genetics
Classification: Likely pathogenic for Inborn genetic diseases. Last evaluated: 2025-07-10. Review status: criteria provided, single submitter. Criteria: Ambry Variant Classification Scheme 2023. Collection method: clinical testing. Allele origin: germline.
Comment: The c.617G>A (p.R206H) alteration is located in exon 8 (coding exon 8) of the ACADM gene. This alteration results from a G to A substitution at nucleotide position 617, causing the arginine (R) at amino acid position 206 to be replaced by a histidine (H). Based on data from gnomAD, the A allele has an overall frequency of 0.002% (4/251398) total alleles studied. The highest observed frequency was 0.016% (3/18394) of East Asian alleles. This variant has been identified in conjunction with other ACADM variants in individuals with features consistent with medium chain acyl-CoA dehydrogenase deficiency (Waddell, 2006; Kang, 2018). Another variant at the same codon, c.616C>T (p.R206C), has been identified in individuals with features consistent with medium chain acyl-CoA dehydrogenase deficiency (Waddell, 2006; Weiss, 2023). This amino acid position is highly conserved in available vertebrate species. This alteration is predicted to be deleterious by in silico analysis. Based on the available evidence, this alteration is classified as likely pathogenic.

Fulgent Genetics
Classification: Likely pathogenic for Medium-chain acyl-coenzyme A dehydrogenase deficiency. Last evaluated: 2024-06-04. Review status: criteria provided, single submitter. Criteria: ACMG Guidelines, 2015. Collection method: clinical testing. Allele origin: germline.

Labcorp Genetics (formerly Invitae), Labcorp
Classification: Pathogenic for Medium-chain acyl-coenzyme A dehydrogenase deficiency. Last evaluated: 2024-03-20. Review status: criteria provided, single submitter. Criteria: Invitae Variant Classification Sherloc (09022015). Collection method: clinical testing. Allele origin: germline.
Comment: This sequence change replaces arginine, which is basic and polar, with histidine, which is basic and polar, at codon 206 of the ACADM protein (p.Arg206His). This variant is present in population databases (rs200724875, gnomAD 0.02%). This missense change has been observed in individual(s) with biochemical profiles diagnostic for MCAD deficiency (PMID: 16291504, 20036593; Invitae). ClinVar contains an entry for this variant (Variation ID: 92268). Advanced modeling of protein sequence and biophysical properties (such as structural, functional, and spatial information, amino acid conservation, physicochemical variation, residue mobility, and thermodynamic stability) performed at Invitae indicates that this missense variant is expected to disrupt ACADM protein function with a positive predictive value of 80%. This variant disrupts the p.Arg206 amino acid residue in ACADM. Other variant(s) that disrupt this residue have been determined to be pathogenic (PMID: 10767181). This suggests that this residue is clinically significant, and that variants that disrupt this residue are likely to be disease-causing. For these reasons, this variant has been classified as Pathogenic.

Blueprint Genetics
Classification: Pathogenic for ACADM-related disorders. Last evaluated: 2023-09-15. Review status: criteria provided, single submitter. Criteria: ACMG Guidelines, 2015. Collection method: clinical testing. Allele origin: germline. Affected: yes. Observed: 3 variant alleles.

GeneDx
Classification: Likely pathogenic. Last evaluated: 2023-06-02. Review status: criteria provided, single submitter. Criteria: GeneDx Variant Classification Process June 2021. Collection method: clinical testing. Allele origin: germline. Affected: yes.
Comment: In silico analysis supports that this missense variant has a deleterious effect on protein structure/function; This variant is associated with the following publications: (PMID: 25087612, 20036593, 22975760, 27856190, 29519241, 16291504)

Eurofins Ntd Llc (ga)
Classification: Pathogenic. Last evaluated: 2013-10-09. Review status: criteria provided, single submitter. Criteria: EGL Classification Definitions. Collection method: clinical testing. Allele origin: germline. Observed: 1 variant allele, 1 heterozygote.

Kariminejad - Najmabadi Pathology & Genetics Center
Classification: Pathogenic for Medium-chain acyl-coenzyme A dehydrogenase deficiency. Review status: criteria provided, single submitter. Criteria: ACMG Guidelines, 2015. Collection method: clinical testing. Allele origin: germline. Affected: no.

Counsyl
Classification: Likely pathogenic for Medium-chain acyl-coenzyme A dehydrogenase deficiency. Last evaluated: 2018-05-15. Review status: no assertion criteria provided. Collection method: clinical testing. Allele origin: unknown. Not counted in ClinVar's aggregate classification.

Literature cited by the submitters: PubMed 29519241 (cited by 4 submitters); PubMed 20036593 (cited by 3 submitters); PubMed 16291504 (cited by 5 submitters); PubMed 24718418 (cited by Otogenetics); PubMed 20434380 (cited by Otogenetics and Counsyl); PubMed 27943070 (cited by Otogenetics and Counsyl); PubMed 41133698 (cited by Otogenetics and Natera, Inc.); PubMed 10767181 (cited by Otogenetics and Labcorp Genetics (formerly Invitae), Labcorp); PubMed 37308883 (cited by Natera, Inc.); PubMed 36840705 (cited by Ambry Genetics); PubMed 27856190 (cited by Counsyl).